The following is an entry in ClinVar:

ClinVar aggregate classification (germline): Uncertain significance (1 of 4 stars; one submission).

gnomAD v4.1: 4 of 1,613,960 alleles (0.00025%); highest among the groups gnomAD compares: Admixed American, 0.005%; no homozygotes.

Submission:

Labcorp Genetics (formerly Invitae), Labcorp
Classification: Uncertain significance. Last evaluated: 2022-08-16. Review status: criteria provided, single submitter. Criteria: Invitae Variant Classification Sherloc (09022015). Collection method: clinical testing. Allele origin: germline.
Comment: This sequence change replaces leucine, which is neutral and non-polar, with phenylalanine, which is neutral and non-polar, at codon 239 of the GLYCTK protein (p.Leu239Phe). This variant is present in population databases (no rsID available, gnomAD 0.006%). This variant has not been reported in the literature in individuals affected with GLYCTK-related conditions. Algorithms developed to predict the effect of missense changes on protein structure and function are either unavailable or do not agree on the potential impact of this missense change (SIFT: "Tolerated"; PolyPhen-2: "Probably Damaging"; Align-GVGD: "Class C0"). In summary, the available evidence is currently insufficient to determine the role of this variant in disease. Therefore, it has been classified as a Variant of Uncertain Significance.

NM_145262.4(GLYCTK):c.715C>T (p.Leu239Phe)

Gene: GLYCTK (glycerate kinase; plus strand). Cytogenetic location: 3p21.2.
Variant type: single nucleotide variant.
Coding change: c.715C>T on transcript NM_145262.4 (MANE Select); coding-DNA position 715, C replaced by T.
Protein change: p.Leu239Phe; replaces leucine 239 with phenylalanine.
Molecular consequence: missense variant. On other transcripts: non-coding transcript variant (3).
Genome position (GRCh38, 1-based): chr3:52,292,269, C>T. VCF-style: chr3-52292269-C-T. GRCh37 (hg19) VCF-style: chr3-52326285-C-T.
Other names: c.539C>T, p.Pro180Leu (NM_001144951.2); short protein forms L239F, P180L.
Identifiers: ClinVar variation 1919355 (VCV001919355.5), dbSNP rs1227710667, ClinGen allele CA353072982.
Genomic context (GRCh38, chr3:52,292,269, plus strand): 5'-CTGAGGGGAGGAGGAAGTGGGCCTGAGCCTTGTCTGGTGGCCCTTCCCCAGGTGGTGAGC[C>T]TCATCCTGTCAGATGTGGTGGGGGACCCTGTGGAGGTGATTGCCAGTGGCCCCACCGTGG-3'
Protein context (NP_660305.2, residues 229-249): QAAYPAQVVS[Leu239Phe]ILSDVVGDPV